The following is an entry in ClinVar:

ClinVar aggregate classification (germline): Pathogenic (1 of 4 stars; one submission).

Submission:

Labcorp Genetics (formerly Invitae), Labcorp
Classification: Pathogenic. Last evaluated: 2023-03-04. Review status: criteria provided, single submitter. Criteria: Invitae Variant Classification Sherloc (09022015). Collection method: clinical testing. Allele origin: germline.
Comment: For these reasons, this variant has been classified as Pathogenic. Algorithms developed to predict the effect of sequence changes on RNA splicing suggest that this variant may disrupt the consensus splice site. This premature translational stop signal has been observed in individual(s) with clinical features of ABCC8-related disorders (PMID: 32027066). This variant is not present in population databases (gnomAD no frequency). This sequence change creates a premature translational stop signal (p.Tyr356*) in the ABCC8 gene. It is expected to result in an absent or disrupted protein product. Loss-of-function variants in ABCC8 are known to be pathogenic (PMID: 20685672, 23345197).

Literature cited by the submitters: PubMed 32027066; PubMed 20685672; PubMed 23345197.

NM_000352.6(ABCC8):c.1068C>G (p.Tyr356Ter)

Gene: ABCC8 (ATP binding cassette subfamily C member 8; minus strand). Cytogenetic location: 11p15.1.
Variant type: single nucleotide variant.
Coding change: c.1068C>G on transcript NM_000352.6 (MANE Select); coding-DNA position 1068, C replaced by G.
Protein change: p.Tyr356Ter; replaces tyrosine 356 with a stop codon.
Molecular consequence: nonsense. On other transcripts: non-coding transcript variant (1).
Genome position (GRCh38, 1-based): chr11:17,453,227, G>C on the plus strand (C>G on the coding strand, the complement: ABCC8 is on the minus strand). VCF-style: chr11-17453227-G-C. GRCh37 (hg19) VCF-style: chr11-17474774-G-C.
Other names: c.1068C>G, p.Tyr356Ter (NM_001287174.3, NM_001351295.2); c.1065C>G, p.Tyr355Ter (NM_001351296.2, NM_001351297.2); short protein forms Y355*, Y356*.
Identifiers: ClinVar variation 2780205 (VCV002780205.3), dbSNP rs776713811, ClinGen allele CA379771142.
Genomic context (GRCh38, chr11:17,453,227, plus strand): 5'-GGATGCTTGCAGAAATGTCCTTTGCAGTAGGAGGGCAAGGAACAGAAGCACAGCTAAGAC[G>C]TAGGCATTGGCAAGGAACTCTTGGGATGAGACAAAGTAAACCCCGAGAAATTGTGTCTGT-3'